The following is an entry in ClinVar:

NM_001267550.2(TTN):c.78446C>G (p.Thr26149Ser)

Genes: TTN-AS1 (TTN antisense RNA 1; plus strand), TTN (titin; minus strand). Cytogenetic location: 2q31.2.
Variant type: single nucleotide variant.
Coding change: c.78446C>G on transcript NM_001267550.2 (MANE Select); coding-DNA position 78446, C replaced by G.
Protein change: p.Thr26149Ser; replaces threonine 26149 with serine.
Molecular consequence: missense variant.
Genome position (GRCh38, 1-based): chr2:178,567,686, G>C on the plus strand (C>G on the coding strand, the complement: TTN is on the minus strand). VCF-style: chr2-178567686-G-C. GRCh37 (hg19) VCF-style: chr2-179432413-G-C.
Other names: p.T24508S:ACT>AGT; c.78446C>G (LRG_391t1); c.73523C>G, p.Thr24508Ser (NM_001256850.1); c.51251C>G, p.Thr17084Ser (NM_003319.4); c.70742C>G, p.Thr23581Ser (NM_133378.4); c.51626C>G, p.Thr17209Ser (NM_133432.3); c.51827C>G, p.Thr17276Ser (NM_133437.4); short protein forms T24508S, T26149S, T17209S, T17084S, T17276S, T23581S.
Identifiers: ClinVar variation 202889 (VCV000202889.10), dbSNP rs191263181, ClinGen allele CA310599.

ClinVar aggregate classification (germline): Conflicting classifications of pathogenicity. Review status: criteria provided, conflicting classifications (1 of 4 stars). 6 submissions from 6 submitters: Uncertain significance (4); Likely benign (2). Last evaluated 2026-07-02.

Conditions:
TTN-related disorder. Also called: TTN-related condition; TTN-related disease; TTN-related disorders.
Dilated cardiomyopathy 1G (CMD1G). Identifiers: Orphanet 154, MedGen C1858763, MONDO:0011400, OMIM 604145.
Autosomal recessive limb-girdle muscular dystrophy type 2J (LGMDR10). Also called: Limb-girdle muscular dystrophy, type 2J; MUSCULAR DYSTROPHY, LIMB-GIRDLE, AUTOSOMAL RECESSIVE 10. Identifiers: Orphanet 140922, MedGen C1837342, MONDO:0012127, OMIM 608807.
Cardiovascular phenotype. Identifiers: MedGen CN230736.

Allele frequency attached by ClinVar (database versions not stated): gnomAD exomes 0.00002 and 0.00006; ExAC 0.00007; 1000 Genomes Project 30x 0.00016; 1000 Genomes Project 0.00020; gnomAD 0.00022 and 0.00026; TOPMed 0.00029; ESP Exome Variant Server 0.00033.
gnomAD v4.1: 71 of 1,612,068 alleles (0.0044%); highest among the groups gnomAD compares: African/African-American, 0.079%; no homozygotes.

Submissions (6):

PreventionGenetics, part of Exact Sciences
Classification: Uncertain significance for TTN-related condition. Last evaluated: 2026-07-02. Review status: criteria provided, single submitter. Criteria: ACMG Guidelines, 2015. Collection method: clinical testing. Allele origin: germline.
Comment: The TTN c.78446C>G variant is predicted to result in the amino acid substitution p.Thr26149Ser. To our knowledge, this variant has not been reported in the literature. This variant is reported in 0.079% of alleles in individuals of African descent in gnomAD. Although we suspect that this variant may be benign, at this time, the clinical significance of this variant is uncertain due to the absence of conclusive functional and genetic evidence.

Revvity Omics, Revvity
Classification: Uncertain significance. Last evaluated: 2022-11-08. Review status: criteria provided, single submitter. Criteria: ACMG Guidelines, 2015. Collection method: clinical testing. Allele origin: germline.

GeneDx
Classification: Likely benign. Last evaluated: 2021-04-26. Review status: criteria provided, single submitter. Criteria: GeneDx Variant Classification Process June 2021. Collection method: clinical testing. Allele origin: germline. Affected: yes.

Ambry Genetics
Classification: Likely benign for Cardiovascular phenotype. Last evaluated: 2020-05-18. Review status: criteria provided, single submitter. Criteria: Ambry Variant Classification Scheme 2023. Collection method: clinical testing. Allele origin: germline.

Labcorp Genetics (formerly Invitae), Labcorp
Classification: Uncertain significance for Dilated cardiomyopathy 1G; Autosomal recessive limb-girdle muscular dystrophy type 2J. Last evaluated: 2017-05-22. Review status: criteria provided, single submitter. Criteria: Invitae Variant Classification Sherloc (09022015). Collection method: clinical testing. Allele origin: germline.
Comment: This sequence change replaces threonine with serine at codon 26149 of the TTN protein (p.Thr26149Ser). There is a small physicochemical difference between threonine and serine. This variant is present in population databases (rs191263181, ExAC 0.06%). This variant has not been reported in the literature in individuals with a TTN-related disease. ClinVar contains an entry for this variant (Variation ID: 202889). This variant identified in the TTN gene is located in the A band of the resulting protein (PMID: 25589632). It is unclear how this variant impacts the function of this protein. Algorithms developed to predict the effect of sequence changes on RNA splicing suggest that this variant may create or strengthen a splice site, but this prediction has not been confirmed by published transcriptional studies. In summary, this variant has uncertain impact on TTN function. The available evidence is currently insufficient to determine its role in disease. Therefore, it has been classified as a Variant of Uncertain Significance.

Athena Diagnostics
Classification: Uncertain significance. Last evaluated: 2017-02-06. Review status: criteria provided, single submitter. Criteria: Athena Diagnostics Criteria. Collection method: clinical testing. Allele origin: germline.

Literature cited by the submitters: PubMed 25589632 (cited by Labcorp Genetics (formerly Invitae), Labcorp).